The following is an entry in ClinVar:

NM_024747.6(HPS6):c.307G>A (p.Val103Met)

Gene: HPS6 (HPS6 biogenesis of lysosomal organelles complex 2 subunit 3; plus strand). Cytogenetic location: 10q24.32.
Variant type: single nucleotide variant.
Coding change: c.307G>A on transcript NM_024747.6 (MANE Select); coding-DNA position 307, G replaced by A.
Protein change: p.Val103Met; replaces valine 103 with methionine.
Molecular consequence: missense variant.
Genome position (GRCh38, 1-based): chr10:102,065,781, G>A. VCF-style: chr10-102065781-G-A. GRCh37 (hg19) VCF-style: chr10-103825538-G-A.
Other names: short protein forms V103M.
Identifiers: ClinVar variation 2803247 (VCV002803247.1), dbSNP rs1164985492, ClinGen allele CA377856018.

ClinVar aggregate classification (germline): Uncertain significance (1 of 4 stars; one submission).

Submission:

Labcorp Genetics (formerly Invitae), Labcorp
Classification: Uncertain significance. Last evaluated: 2023-10-16. Review status: criteria provided, single submitter. Criteria: Invitae Variant Classification Sherloc (09022015). Collection method: clinical testing. Allele origin: germline.
Comment: This sequence change replaces valine, which is neutral and non-polar, with methionine, which is neutral and non-polar, at codon 103 of the HPS6 protein (p.Val103Met). This variant is not present in population databases (gnomAD no frequency). This variant has not been reported in the literature in individuals affected with HPS6-related conditions. Advanced modeling of protein sequence and biophysical properties (such as structural, functional, and spatial information, amino acid conservation, physicochemical variation, residue mobility, and thermodynamic stability) performed at Invitae indicates that this missense variant is not expected to disrupt HPS6 protein function. In summary, the available evidence is currently insufficient to determine the role of this variant in disease. Therefore, it has been classified as a Variant of Uncertain Significance.